The following is an entry in ClinVar:

NM_003105.6(SORL1):c.3892G>A (p.Gly1298Arg)

Gene: SORL1 (sortilin related receptor 1; plus strand). Cytogenetic location: 11q24.1.
Variant type: single nucleotide variant.
Coding change: c.3892G>A on transcript NM_003105.6 (MANE Select); coding-DNA position 3892, G replaced by A.
Protein change: p.Gly1298Arg; replaces glycine 1298 with arginine.
Molecular consequence: missense variant.
Genome position (GRCh38, 1-based): chr11:121,588,097, G>A. VCF-style: chr11-121588097-G-A. GRCh37 (hg19) VCF-style: chr11-121458806-G-A.
Other names: short protein forms G1298R.
Identifiers: ClinVar variation 3605291 (VCV003605291.2).

ClinVar aggregate classification (germline): Uncertain significance (1 of 4 stars; one submission).

gnomAD v4.1: 12 of 1,613,764 alleles (0.00074%); highest among the groups gnomAD compares: Admixed American, 0.005%; no homozygotes.

Submission:

Labcorp Genetics (formerly Invitae), Labcorp
Classification: Uncertain significance. Last evaluated: 2024-08-31. Review status: criteria provided, single submitter. Criteria: Invitae Variant Classification Sherloc (09022015). Collection method: clinical testing. Allele origin: germline.
Comment: This sequence change replaces glycine, which is neutral and non-polar, with arginine, which is basic and polar, at codon 1298 of the SORL1 protein (p.Gly1298Arg). This variant is present in population databases (rs746781563, gnomAD 0.006%). This variant has not been reported in the literature in individuals affected with SORL1-related conditions. An algorithm developed to predict the effect of missense changes on protein structure and function (PolyPhen-2) suggests that this variant is likely to be disruptive. In summary, the available evidence is currently insufficient to determine the role of this variant in disease. Therefore, it has been classified as a Variant of Uncertain Significance.